The following is an entry in ClinVar:

NM_014921.5(ADGRL1):c.721G>C (p.Glu241Gln)

Genes: ADGRL1-AS1 (ADGRL1 antisense RNA 1; plus strand), ADGRL1 (adhesion G protein-coupled receptor L1; minus strand). Cytogenetic location: 19p13.12.
Variant type: single nucleotide variant.
Coding change: c.721G>C on transcript NM_014921.5 (MANE Select); coding-DNA position 721, G replaced by C.
Protein change: p.Glu241Gln; replaces glutamic acid 241 with glutamine.
Molecular consequence: missense variant.
Genome position (GRCh38, 1-based): chr19:14,163,080, C>G on the plus strand (G>C on the coding strand, the complement: ADGRL1 is on the minus strand). VCF-style: chr19-14163080-C-G. GRCh37 (hg19) VCF-style: chr19-14273892-C-G.
Other names: c.736G>C, p.Glu246Gln (NM_001008701.3); short protein forms E246Q, E241Q.
Identifiers: ClinVar variation 4854846 (VCV004854846.1).

ClinVar aggregate classification (germline): Uncertain significance (1 of 4 stars; one submission).

Conditions:
Developmental delay, behavioral abnormalities, and neuropsychiatric disorders (DEDBANP). Identifiers: MedGen C5774224, MONDO:0859292, OMIM 620065.

gnomAD v4.1: 1 of 1,614,098 alleles (0.000062%); highest among the groups gnomAD compares: Non-Finnish European, 0.000085%; no homozygotes.

Submission:

3billion
Classification: Uncertain significance for Developmental delay, behavioral abnormalities, and neuropsychiatric disorders. Last evaluated: 2025-12-15. Review status: criteria provided, single submitter. Criteria: ACMG Guidelines, 2015. Collection method: clinical testing. Allele origin: germline. Affected: yes.
Comment: The variant is observed at an extremely low frequency in the gnomAD v4.1.0 dataset (total allele frequency: <0.001%). Predicted Consequence/Location: Missense variant In silico tool predictions suggest damaging effect of the variant on gene or gene product [3Cnet: 0.96 (> 0.75, sensitivity 0.96 and precision 0.92)]. Therefore, this variant is classified as VUS according to the recommendation of ACMG/AMP guideline.